The following is an entry in ClinVar:

NM_001605.3(AARS1):c.9T>G (p.Ser3=)

Gene: AARS1 (alanyl-tRNA synthetase 1; minus strand). Cytogenetic location: 16q22.1.
Variant type: single nucleotide variant.
Coding change: c.9T>G on transcript NM_001605.3 (MANE Select); coding-DNA position 9, T replaced by G.
Protein change: p.Ser3=; no amino-acid change (serine 3 retained).
Molecular consequence: synonymous variant.
Genome position (GRCh38, 1-based): chr16:70,282,755, A>C on the plus strand (T>G on the coding strand, the complement: AARS1 is on the minus strand). VCF-style: chr16-70282755-A-C. GRCh37 (hg19) VCF-style: chr16-70316658-A-C.
Identifiers: ClinVar variation 1682339 (VCV001682339.12), dbSNP rs539360231, ClinGen allele CA8141252.

ClinVar aggregate classification (germline): Likely benign. Review status: criteria provided, multiple submitters, no conflicts (2 of 4 stars). 2 submissions from 2 submitters: Likely benign (2). Last evaluated 2026-03-01.

Conditions:
Charcot-Marie-Tooth disease type 2. Also called: Charcot-Marie-Tooth type 2. Identifiers: Orphanet 64746, MedGen C0270914, MONDO:0018993.

Allele frequency attached by ClinVar (database versions not stated): ExAC 0.00001; gnomAD 0.00001 and 0.00004; gnomAD exomes 0.00001 and 0.00002; TOPMed 0.00002.
gnomAD v4.1: 30 of 1,614,112 alleles (0.0019%); highest among the groups gnomAD compares: Middle Eastern, 0.033%; no homozygotes.

Submissions (2):

CeGaT Center for Human Genetics Tuebingen
Classification: Likely benign. Last evaluated: 2026-03-01. Review status: criteria provided, single submitter. Criteria: CeGaT Center For Human Genetics Tuebingen Variant Classification Criteria Version 2. Collection method: clinical testing. Allele origin: germline. Affected: yes. Observed: 1 variant allele.
Comment: AARS1: BP4, BP7

Labcorp Genetics (formerly Invitae), Labcorp
Classification: Likely benign for Charcot-Marie-Tooth disease type 2. Last evaluated: 2025-11-01. Review status: criteria provided, single submitter. Criteria: Invitae Variant Classification Sherloc (09022015). Collection method: clinical testing. Allele origin: germline.